The following is an entry in ClinVar:

NM_001430.5(EPAS1):c.2171G>C (p.Gly724Ala)

Gene: EPAS1 (endothelial PAS domain protein 1; plus strand). Cytogenetic location: 2p21.
Variant type: single nucleotide variant.
Coding change: c.2171G>C on transcript NM_001430.5 (MANE Select); coding-DNA position 2171, G replaced by C.
Protein change: p.Gly724Ala; replaces glycine 724 with alanine.
Molecular consequence: missense variant.
Genome position (GRCh38, 1-based): chr2:46,381,721, G>C. VCF-style: chr2-46381721-G-C. GRCh37 (hg19) VCF-style: chr2-46608860-G-C.
Other names: short protein forms G724A.
Identifiers: ClinVar variation 1787110 (VCV001787110.3), dbSNP rs200723248, ClinGen allele CA346705681.

ClinVar aggregate classification (germline): Uncertain significance (1 of 4 stars; one submission).

Conditions:
Inborn genetic diseases. Identifiers: MedGen C0950123, MeSH D030342.

gnomAD v4.1: 1 of 1,613,682 alleles (0.000062%); highest among the groups gnomAD compares: Non-Finnish European, 0.000085%; no homozygotes.

Submission:

Ambry Genetics
Classification: Uncertain significance for Inborn genetic diseases. Last evaluated: 2024-03-30. Review status: criteria provided, single submitter. Criteria: Ambry Variant Classification Scheme 2023. Collection method: clinical testing. Allele origin: germline.
Comment: The p.G724A variant (also known as c.2171G>C), located in coding exon 13 of the EPAS1 gene, results from a G to C substitution at nucleotide position 2171. The glycine at codon 724 is replaced by alanine, an amino acid with similar properties. This amino acid position is conserved. In addition, this alteration is predicted to be tolerated by in silico analysis. Since supporting evidence is limited at this time, the clinical significance of this alteration remains unclear.